The following is an entry in ClinVar:

NM_014975.3(MAST1):c.2053G>A (p.Val685Met)

Gene: MAST1 (microtubule associated serine/threonine kinase 1; plus strand). Cytogenetic location: 19p13.13.
Variant type: single nucleotide variant.
Coding change: c.2053G>A on transcript NM_014975.3 (MANE Select); coding-DNA position 2053, G replaced by A.
Protein change: p.Val685Met; replaces valine 685 with methionine.
Molecular consequence: missense variant.
Genome position (GRCh38, 1-based): chr19:12,866,676, G>A. VCF-style: chr19-12866676-G-A. GRCh37 (hg19) VCF-style: chr19-12977490-G-A.
Other names: short protein forms V685M.
Identifiers: ClinVar variation 4883681 (VCV004883681.2).

ClinVar aggregate classification (germline): Uncertain significance (1 of 4 stars; one submission).

gnomAD v4.1: 1 of 1,613,820 alleles (0.000062%); highest among the groups gnomAD compares: Non-Finnish European, 0.000085%; no homozygotes.

Submission:

Dasa
Classification: Uncertain significance. Last evaluated: 2025-08-23. Review status: criteria provided, single submitter. Criteria: DASA Assertion Criteria. Collection method: clinical testing. Allele origin: germline.
Comment: NM_014975.3(MAST1):c.2053G>A (p.Val685Met) is a missense variant that results in the substitution of valine with methionine. This variant is rare in population databases. Computational prediction algorithms are consistent with a benign effect. The currently available literature and clinical evidence are not sufficient to establish a definitive association between this variant and the reported condition. Therefore, this variant is classified as a variant of uncertain significance.